The following is an entry in ClinVar:

NM_013266.4(CTNNA3):c.2372A>G (p.Asn791Ser)

Gene: CTNNA3 (catenin alpha 3; minus strand). Cytogenetic location: 10q21.3.
Variant type: single nucleotide variant.
Coding change: c.2372A>G on transcript NM_013266.4 (MANE Select); coding-DNA position 2372, A replaced by G.
Protein change: p.Asn791Ser; replaces asparagine 791 with serine.
Molecular consequence: missense variant.
Genome position (GRCh38, 1-based): chr10:65,966,640, T>C on the plus strand (A>G on the coding strand, the complement: CTNNA3 is on the minus strand). VCF-style: chr10-65966640-T-C. GRCh37 (hg19) VCF-style: chr10-67726398-T-C.
Other names: c.2372A>G, p.Asn791Ser (NM_001127384.3); short protein forms N791S.
Identifiers: ClinVar variation 2054755 (VCV002054755.4), dbSNP rs2492643402, ClinGen allele CA377089932.

ClinVar aggregate classification (germline): Uncertain significance (1 of 4 stars; one submission).

Conditions:
Arrhythmogenic right ventricular dysplasia 13. Also called: Arrhythmogenic right ventricular dysplasia, familial, 13; ARRHYTHMOGENIC RIGHT VENTRICULAR CARDIOMYOPATHY 13. Identifiers: MedGen C3810138, MONDO:0000908, OMIM 615616.

Allele frequency attached by ClinVar (database versions not stated): gnomAD exomes below 0.00001.
gnomAD v4.1: 1 of 1,613,890 alleles (0.000062%); highest among the groups gnomAD compares: Non-Finnish European, 0.000085%; no homozygotes.

Submission:

Labcorp Genetics (formerly Invitae), Labcorp
Classification: Uncertain significance for Arrhythmogenic right ventricular dysplasia 13. Last evaluated: 2024-10-18. Review status: criteria provided, single submitter. Criteria: Invitae Variant Classification Sherloc (09022015). Collection method: clinical testing. Allele origin: germline.
Comment: This sequence change replaces asparagine, which is neutral and polar, with serine, which is neutral and polar, at codon 791 of the CTNNA3 protein (p.Asn791Ser). This variant is not present in population databases (gnomAD no frequency). This variant has not been reported in the literature in individuals affected with CTNNA3-related conditions. ClinVar contains an entry for this variant (Variation ID: 2054755). Invitae Evidence Modeling of protein sequence and biophysical properties (such as structural, functional, and spatial information, amino acid conservation, physicochemical variation, residue mobility, and thermodynamic stability) indicates that this missense variant is not expected to disrupt CTNNA3 protein function with a negative predictive value of 80%. In summary, the available evidence is currently insufficient to determine the role of this variant in disease. Therefore, it has been classified as a Variant of Uncertain Significance.